The following is an entry in ClinVar:

ClinVar aggregate classification (germline): Uncertain significance. Review status: criteria provided, single submitter (1 of 4 stars). 2 submissions from 2 submitters: Uncertain significance (1). 1 of the submissions does not count toward it. Last evaluated 2024-12-02.

Conditions:
Retinal dystrophy. Also called: Inherited retinal dystrophy. Identifiers: Orphanet 71862, MedGen C0854723, MeSH D058499, MONDO:0019118, HP:0000556.

Allele frequency attached by ClinVar (database versions not stated): gnomAD exomes 0.00011 and 0.00019; ExAC 0.00013; 1000 Genomes Project 30x 0.00016; TOPMed 0.00017; 1000 Genomes Project 0.00020; gnomAD 0.00021.
gnomAD v4.1: 303 of 1,610,394 alleles (0.019%); highest among the groups gnomAD compares: Non-Finnish European, 0.024%; no homozygotes.

Submissions (2):

Labcorp Genetics (formerly Invitae), Labcorp
Classification: Uncertain significance. Last evaluated: 2024-12-02. Review status: criteria provided, single submitter. Criteria: Invitae Variant Classification Sherloc (09022015). Collection method: clinical testing. Allele origin: germline.
Comment: This sequence change replaces threonine, which is neutral and polar, with methionine, which is neutral and non-polar, at codon 1760 of the KIAA1549 protein (p.Thr1760Met). This variant is present in population databases (rs201894165, gnomAD 0.02%). This variant has not been reported in the literature in individuals affected with KIAA1549-related conditions. ClinVar contains an entry for this variant (Variation ID: 954590). An algorithm developed to predict the effect of missense changes on protein structure and function (PolyPhen-2) suggests that this variant¬†is likely to be tolerated. In summary, the available evidence is currently insufficient to determine the role of this variant in disease. Therefore, it has been classified as a Variant of Uncertain Significance.

Institute of Human Genetics, Univ. Regensburg, Univ. Regensburg
Classification: Uncertain significance for Retinal dystrophy. Last evaluated: 2022-01-01. Review status: no assertion criteria provided. Criteria: ACMG Guidelines, 2015. Collection method: clinical testing. Allele origin: germline. Affected: yes. Not counted in ClinVar's aggregate classification.

NM_001164665.2(KIAA1549):c.5279C>T (p.Thr1760Met)

Gene: KIAA1549 (KIAA1549; minus strand). Cytogenetic location: 7q34.
Variant type: single nucleotide variant.
Coding change: c.5279C>T on transcript NM_001164665.2 (MANE Select); coding-DNA position 5279, C replaced by T.
Protein change: p.Thr1760Met; replaces threonine 1760 with methionine.
Molecular consequence: missense variant.
Genome position (GRCh38, 1-based): chr7:138,852,238, G>A on the plus strand (C>T on the coding strand, the complement: KIAA1549 is on the minus strand). VCF-style: chr7-138852238-G-A. GRCh37 (hg19) VCF-style: chr7-138536984-G-A.
Other names: c.5279C>T, p.Thr1760Met (NM_020910.3); short protein forms T1760M.
Identifiers: ClinVar variation 954590 (VCV000954590.7), dbSNP rs201894165, ClinGen allele CA4505613.